The following is an entry in ClinVar:

ClinVar aggregate classification (germline): Uncertain significance. Review status: criteria provided, multiple submitters, no conflicts (2 of 4 stars). 2 submissions from 2 submitters: Uncertain significance (2). Last evaluated 2025-11-18.

Conditions:
Atypical hemolytic-uremic syndrome. Identifiers: Orphanet 2134, MedGen C2931788, MONDO:0016244.

Allele frequency attached by ClinVar (database versions not stated): ExAC 0.00002; gnomAD 0.00003; TOPMed 0.00005; gnomAD exomes 0.00007; ESP Exome Variant Server 0.00015.
gnomAD v4.1: 98 of 1,613,014 alleles (0.0061%); highest among the groups gnomAD compares: Non-Finnish European, 0.0081%; 1 homozygote.

Submissions (2):

Labcorp Genetics (formerly Invitae), Labcorp
Classification: Uncertain significance. Last evaluated: 2025-11-18. Review status: criteria provided, single submitter. Criteria: Invitae Variant Classification Sherloc (09022015). Collection method: clinical testing. Allele origin: germline.
Comment: This sequence change replaces aspartic acid, which is acidic and polar, with asparagine, which is neutral and polar, at codon 185 of the CD46 protein (p.Asp185Asn). This variant is present in population databases (rs368070719, gnomAD 0.004%). This missense change has been observed in individual(s) with atypical hemolytic uremic syndrome (PMID: 23431077). ClinVar contains an entry for this variant (Variation ID: 2202926). Invitae Evidence Modeling of protein sequence and biophysical properties (such as structural, functional, and spatial information, amino acid conservation, physicochemical variation, residue mobility, and thermodynamic stability) indicates that this missense variant is not expected to disrupt CD46 protein function with a negative predictive value of 80%. In summary, the available evidence is currently insufficient to determine the role of this variant in disease. Therefore, it has been classified as a Variant of Uncertain Significance.

Genomenon, Inc
Classification: Uncertain significance for Atypical hemolytic-uremic syndrome. Last evaluated: 2025-10-02. Review status: criteria provided, single submitter. Criteria: Genomenon Sequence Variant Interpretation Standards. Collection method: curation. Allele origin: germline. Affected: yes.
Comment: CD46 p.Asp185Asn (c.553G>A) is a missense variant that changes the amino acid at residue 185 from Aspartic acid to Asparagine. This variant has been observed in at least one proband affected with atypical hemolytic-uremic syndrome (PMID:16762990;17599974). Functional studies have been reported; however, the significance of the findings remain unclear (PMID:16762990). It is absent or not present at a significant frequency in gnomAD. In silico models agree that this variant is not damaging. In conclusion, we classify CD46 p.Asp185Asn (c.553G>A) as a variant of uncertain significance.

Literature cited by the submitters: PubMed 23431077 (cited by Labcorp Genetics (formerly Invitae), Labcorp); PubMed 16762990 (cited by Genomenon, Inc); PubMed 17599974 (cited by Genomenon, Inc).

NM_172351.3(CD46):c.553G>A (p.Asp185Asn)

Gene: CD46 (CD46 molecule; plus strand). Cytogenetic location: 1q32.2.
Variant type: single nucleotide variant.
Coding change: c.553G>A on transcript NM_172351.3 (MANE Select); coding-DNA position 553, G replaced by A.
Protein change: p.Asp185Asn; replaces aspartic acid 185 with asparagine.
Molecular consequence: missense variant.
Genome position (GRCh38, 1-based): chr1:207,761,326, G>A. VCF-style: chr1-207761326-G-A. GRCh37 (hg19) VCF-style: chr1-207934671-G-A.
Other names: c.553G>A, p.Asp185Asn (NM_002389.4, NM_153826.4, NM_172350.3 and 8 more transcripts); short protein forms D185N.
Identifiers: ClinVar variation 2202926 (VCV002202926.5), dbSNP rs368070719, ClinGen allele CA1371673.